The following is an entry in ClinVar:

ClinVar aggregate classification (germline): Conflicting classifications of pathogenicity. Review status: criteria provided, conflicting classifications (1 of 4 stars). 2 submissions from 2 submitters: Uncertain significance (1); Likely benign (1). Last evaluated 2025-08-09.

Conditions:
Inborn genetic diseases. Identifiers: MedGen C0950123, MeSH D030342.

Allele frequency attached by ClinVar (database versions not stated): gnomAD exomes 0.00001; gnomAD 0.00002.
gnomAD v4.1: 16 of 1,613,264 alleles (0.00099%); highest among the groups gnomAD compares: Middle Eastern, 0.016%; no homozygotes.

Submissions (2):

Ambry Genetics
Classification: Likely benign for Inborn genetic diseases. Last evaluated: 2025-08-09. Review status: criteria provided, single submitter. Criteria: Ambry Variant Classification Scheme 2023. Collection method: clinical testing. Allele origin: germline.

Labcorp Genetics (formerly Invitae), Labcorp
Classification: Uncertain significance. Last evaluated: 2024-10-10. Review status: criteria provided, single submitter. Criteria: Invitae Variant Classification Sherloc (09022015). Collection method: clinical testing. Allele origin: germline.
Comment: This sequence change replaces valine, which is neutral and non-polar, with isoleucine, which is neutral and non-polar, at codon 1872 of the VPS13A protein (p.Val1872Ile). This variant is present in population databases (no rsID available, gnomAD 0.006%). This variant has not been reported in the literature in individuals affected with VPS13A-related conditions. ClinVar contains an entry for this variant (Variation ID: 2183572). Invitae Evidence Modeling of protein sequence and biophysical properties (such as structural, functional, and spatial information, amino acid conservation, physicochemical variation, residue mobility, and thermodynamic stability) indicates that this missense variant is expected to disrupt VPS13A protein function with a positive predictive value of 80%. In summary, the available evidence is currently insufficient to determine the role of this variant in disease. Therefore, it has been classified as a Variant of Uncertain Significance.

NM_033305.3(VPS13A):c.5614G>A (p.Val1872Ile)

Gene: VPS13A (vacuolar protein sorting 13 homolog A; plus strand). Cytogenetic location: 9q21.2.
Variant type: single nucleotide variant.
Coding change: c.5614G>A on transcript NM_033305.3 (MANE Select); coding-DNA position 5614, G replaced by A.
Protein change: p.Val1872Ile; replaces valine 1872 with isoleucine.
Molecular consequence: missense variant.
Genome position (GRCh38, 1-based): chr9:77,321,530, G>A. VCF-style: chr9-77321530-G-A. GRCh37 (hg19) VCF-style: chr9-79936446-G-A.
Other names: c.5497G>A, p.Val1833Ile (NM_001018037.2); c.5614G>A, p.Val1872Ile (NM_001018038.3, NM_015186.4); c.5614G>A (NM_033305.2); short protein forms V1872I, V1833I.
Identifiers: ClinVar variation 2183572 (VCV002183572.4), dbSNP rs979019015, ClinGen allele CA194399470.
Genomic context (GRCh38, chr9:77,321,530, plus strand): 5'-AGCATAACTCTTTCTTATTAGGCATTTACAGAAGCTGCCACTGGATCTTCAGCTGACTTC[G>A]TAAAGGATCTAGCACCATTTATGATTTTAAATTCCCTTGGACTTACTATTTCTGTTTCGC-3'
Protein context (NP_150648.2, residues 1862-1882): EAATGSSADF[Val1872Ile]KDLAPFMILN